The following is an entry in ClinVar:

NM_006922.4(SCN3A):c.602+3G>A

Gene: SCN3A (sodium voltage-gated channel alpha subunit 3; minus strand). Cytogenetic location: 2q24.3.
Variant type: single nucleotide variant.
Coding change: c.602+3G>A on transcript NM_006922.4 (MANE Select); 3 bases into the intron after coding-DNA position 602, G replaced by A.
Molecular consequence: intron variant.
Genome position (GRCh38, 1-based): chr2:165,164,389, C>T on the plus strand (G>A on the coding strand, the complement: SCN3A is on the minus strand). VCF-style: chr2-165164389-C-T. GRCh37 (hg19) VCF-style: chr2-166020899-C-T.
Other names: c.602+3G>A (NM_001081676.2, NM_001081677.2).
Identifiers: ClinVar variation 3724405 (VCV003724405.3).
Genomic context (GRCh38, chr2:165,164,389, plus strand): 5'-ACCTTGTTTGTACTATGACTATTTTCACTCCTTTGCGCTTATCAAATTTTCAAAGTTACT[C>T]ACGCCATCACAATGACACTGAAATCCAGCCAGTTCCATGGATCACGAAGAAACGTAAAAT-3'

ClinVar aggregate classification (germline): Uncertain significance. Review status: criteria provided, multiple submitters, no conflicts (2 of 4 stars). 2 submissions from 2 submitters: Uncertain significance (2). Last evaluated 2025-04-23.

gnomAD v4.1: 1 of 1,613,692 alleles (0.000062%); highest among the groups gnomAD compares: Admixed American, 0.0017%; no homozygotes.

Submissions (2):

Labcorp Genetics (formerly Invitae), Labcorp
Classification: Uncertain significance. Last evaluated: 2025-04-23. Review status: criteria provided, single submitter. Criteria: Invitae Variant Classification Sherloc (09022015). Collection method: clinical testing. Allele origin: germline.
Comment: This sequence change falls in intron 6 of the SCN3A gene. It does not directly change the encoded amino acid sequence of the SCN3A protein. It affects a nucleotide within the consensus splice site. This variant is not present in population databases (gnomAD no frequency). This variant has not been reported in the literature in individuals affected with SCN3A-related conditions. ClinVar contains an entry for this variant (Variation ID: 3724405). Variants that disrupt the consensus splice site are a relatively common cause of aberrant splicing (PMID: 17576681, 9536098). Algorithms developed to predict the effect of sequence changes on RNA splicing suggest that this variant is not likely to affect RNA splicing. In summary, the available evidence is currently insufficient to determine the role of this variant in disease. Therefore, it has been classified as a Variant of Uncertain Significance.

Blueprint Genetics
Classification: Uncertain significance. Last evaluated: 2024-09-26. Review status: criteria provided, single submitter. Criteria: ACMG Guidelines, 2015. Collection method: clinical testing. Allele origin: germline.

Literature cited by the submitters: PubMed 17576681 (cited by Labcorp Genetics (formerly Invitae), Labcorp); PubMed 9536098 (cited by Labcorp Genetics (formerly Invitae), Labcorp).